The following is an entry in ClinVar:

NM_058216.3(RAD51C):c.1042G>T (p.Asp348Tyr)

Gene: RAD51C (RAD51 paralog C; plus strand). Cytogenetic location: 17q22.
Variant type: single nucleotide variant.
Coding change: c.1042G>T on transcript NM_058216.3 (MANE Select); coding-DNA position 1042, G replaced by T.
Protein change: p.Asp348Tyr; replaces aspartic acid 348 with tyrosine.
Molecular consequence: missense variant. On other transcripts: non-coding transcript variant (1).
Genome position (GRCh38, 1-based): chr17:58,734,133, G>T. VCF-style: chr17-58734133-G-T. GRCh37 (hg19) VCF-style: chr17-56811494-G-T.
Other names: short protein forms D348Y.
Identifiers: ClinVar variation 471429 (VCV000471429.8), dbSNP rs1555605533, ClinGen allele CA400365973.

ClinVar aggregate classification (germline): Uncertain significance (1 of 4 stars; one submission).

Conditions:
Fanconi anemia complementation group O. Also called: RAD51C-Related Fanconi Anemia. Identifiers: Orphanet 84, MedGen C3150653, MONDO:0013248, OMIM 613390.

Submission:

Labcorp Genetics (formerly Invitae), Labcorp
Classification: Uncertain significance for Fanconi anemia complementation group O. Last evaluated: 2017-05-13. Review status: criteria provided, single submitter. Criteria: Invitae Variant Classification Sherloc (09022015). Collection method: clinical testing. Allele origin: germline.
Comment: Algorithms developed to predict the effect of missense changes on protein structure and function do not agree on the potential impact of this missense change (SIFT: "Deleterious"; PolyPhen-2: "Probably Damaging"; Align-GVGD: "Class C0"). In summary, this variant has uncertain impact on RAD51C function. The available evidence is currently insufficient to determine its role in disease. Therefore, it has been classified as a Variant of Uncertain Significance. This variant has not been reported in the literature in individuals with a RAD51C-related disease. This variant is not present in population databases (ExAC no frequency). This sequence change replaces aspartic acid with tyrosine at codon 348 of the RAD51C protein (p.Asp348Tyr). The aspartic acid residue is moderately conserved and there is a large physicochemical difference between aspartic acid and tyrosine.